The following is an entry in ClinVar:

NM_002332.3(LRP1):c.9810C>T (p.Ser3270=)

Gene: LRP1 (LDL receptor related protein 1; plus strand). Cytogenetic location: 12q13.3.
Variant type: single nucleotide variant.
Coding change: c.9810C>T on transcript NM_002332.3 (MANE Select); coding-DNA position 9810, C replaced by T.
Protein change: p.Ser3270=; no amino-acid change (serine 3270 retained).
Molecular consequence: synonymous variant.
Genome position (GRCh38, 1-based): chr12:57,199,345, C>T. VCF-style: chr12-57199345-C-T. GRCh37 (hg19) VCF-style: chr12-57593128-C-T.
Identifiers: ClinVar variation 3057531 (VCV003057531.2), dbSNP rs145068367, ClinGen allele CA6644784.

ClinVar aggregate classification (germline): Likely benign (0 of 4 stars; one submission).

Conditions:
LRP1-related disorder. Also called: LRP1-related condition.

Allele frequency attached by ClinVar (database versions not stated): ExAC 0.00002; gnomAD exomes 0.00002; TOPMed 0.00002; gnomAD 0.00003; ESP Exome Variant Server 0.00008.
gnomAD v4.1: 34 of 1,613,064 alleles (0.0021%); highest among the groups gnomAD compares: Non-Finnish European, 0.0026%; no homozygotes.

Submission:

PreventionGenetics, part of Exact Sciences
Classification: Likely benign for LRP1-related condition. Last evaluated: 2019-03-13. Review status: no assertion criteria provided. Collection method: clinical testing. Allele origin: germline.
Comment: This variant is classified as likely benign based on ACMG/AMP sequence variant interpretation guidelines (Richards et al. 2015 PMID: 25741868, with internal and published modifications).